The following is an entry in ClinVar:

NM_004456.5(EZH2):c.657T>C (p.Pro219=)

Gene: EZH2 (enhancer of zeste 2 polycomb repressive complex 2 subunit; minus strand). Cytogenetic location: 7q36.1.
Variant type: single nucleotide variant.
Coding change: c.657T>C on transcript NM_004456.5 (MANE Select); coding-DNA position 657, T replaced by C.
Protein change: p.Pro219=; no amino-acid change (proline 219 retained).
Molecular consequence: synonymous variant.
Genome position (GRCh38, 1-based): chr7:148,827,235, A>G on the plus strand (T>C on the coding strand, the complement: EZH2 is on the minus strand). VCF-style: chr7-148827235-A-G. GRCh37 (hg19) VCF-style: chr7-148524327-A-G.
Other names: c.657T>C, p.Pro219= (NM_001203247.2); c.630T>C, p.Pro210= (NM_001203248.2, NM_001203249.2); c.540T>C, p.Pro180= (NM_152998.3).
Identifiers: ClinVar variation 359283 (VCV000359283.36), dbSNP rs148843424, ClinGen allele CA4548055.
Genomic context (GRCh38, chr7:148,827,235, plus strand): 5'-TTCTTCTGCTGTGCCCTTATCTGGAAACATTGAGGAAATGGCTTCAAAAATTTTATCAGA[A>G]GGAAATTTCCGAGGTGGGCGGCTTTCTTTATCTAAACAGGAGAATATGAAAGGAAAAAAA-3'
Protein context (NP_004447.2, residues 209-229): DKESRPPRKF[Pro219=]SDKIFEAISS

ClinVar aggregate classification (germline): Benign/Likely benign. Review status: criteria provided, multiple submitters, no conflicts (2 of 4 stars). 7 submissions from 7 submitters: Benign (1); Likely benign (5). 1 of the submissions does not count toward it. Last evaluated 2026-01-26.

Conditions:
Weaver syndrome (WVS). Also called: Weaver Smith syndrome; Overgrowth syndrome with accelerated skeletal maturation, unusual facies, and camptodactyly. Identifiers: Orphanet 3447, MedGen C0265210, MONDO:0010193, OMIM 277590.

Allele frequency attached by ClinVar (database versions not stated): gnomAD 0.00034 and 0.00035; gnomAD exomes 0.00042 and 0.00051; 1000 Genomes Project 0.00060; 1000 Genomes Project 30x 0.00062; ExAC 0.00062; ESP Exome Variant Server 0.00023; TOPMed 0.00033.
gnomAD v4.1: 784 of 1,613,884 alleles (0.049%); highest among the groups gnomAD compares: Non-Finnish European, 0.063%; no homozygotes.

Submissions (7):

Labcorp Genetics (formerly Invitae), Labcorp
Classification: Benign for Weaver syndrome. Last evaluated: 2026-01-26. Review status: criteria provided, single submitter. Criteria: Invitae Variant Classification Sherloc (09022015). Collection method: clinical testing. Allele origin: germline.

Laboratory of Genetics, Children's Clinical University Hospital Latvia
Classification: Likely benign. Last evaluated: 2025-02-16. Review status: criteria provided, single submitter. Criteria: ACMG Guidelines, 2015. Collection method: clinical testing. Allele origin: germline. Affected: yes.

Blueprint Genetics
Classification: Likely benign. Last evaluated: 2024-09-25. Review status: criteria provided, single submitter. Criteria: ACMG Guidelines, 2015. Collection method: clinical testing. Allele origin: germline.

CeGaT Center for Human Genetics Tuebingen
Classification: Likely benign. Last evaluated: 2024-09-01. Review status: criteria provided, single submitter. Criteria: CeGaT Center For Human Genetics Tuebingen Variant Classification Criteria Version 2. Collection method: clinical testing. Allele origin: germline. Affected: yes. Observed: 1 variant allele.
Comment: EZH2: BP4, BP7

GeneDx
Classification: Likely benign. Last evaluated: 2020-07-27. Review status: criteria provided, single submitter. Criteria: GeneDx Variant Classification Process June 2021. Collection method: clinical testing. Allele origin: germline. Affected: yes.

Genetic Services Laboratory, University of Chicago
Classification: Likely benign. Last evaluated: 2017-11-15. Review status: criteria provided, single submitter. Criteria: ACMG Guidelines, 2015. Collection method: clinical testing. Allele origin: germline. Affected: no.

Department of Pathology and Laboratory Medicine, Sinai Health System
Classification: Uncertain significance. Review status: no assertion criteria provided. Collection method: clinical testing. Allele origin: unknown. Affected: yes. Study: The Canadian Open Genetics Repository (COGR). Not counted in ClinVar's aggregate classification.